The following is an entry in ClinVar:

ClinVar aggregate classification (germline): Uncertain significance. Review status: criteria provided, multiple submitters, no conflicts (2 of 4 stars). 2 submissions from 2 submitters: Uncertain significance (2). Last evaluated 2025-05-14.

Conditions:
Desmin-related myofibrillar myopathy (MFM1). Also called: Desminopathy; Desmin related myopathy (former name); Desmin storage myopathy (former name); Myofibrillar myopathy 1; MYOFIBRILLAR MYOPATHY WITH ARRHYTHMOGENIC RIGHT VENTRICULAR CARDIOMYOPATHY; DESMIN-RELATED MYOPATHY WITH ARRHYTHMOGENIC RIGHT VENTRICULAR CARDIOMYOPATHY. Identifiers: Orphanet 363543, Orphanet 98909, MedGen C1832370, MONDO:0011076, OMIM 601419.

Allele frequency attached by ClinVar (database versions not stated): gnomAD exomes below 0.00001 and 0.00001; TOPMed below 0.00001; gnomAD 0.00001; ExAC 0.00003; 1000 Genomes Project 30x 0.00016; 1000 Genomes Project 0.00020.

Submissions (2):

GeneDx
Classification: Uncertain significance. Last evaluated: 2025-05-14. Review status: criteria provided, single submitter. Criteria: GeneDx Variant Classification Process June 2021. Collection method: clinical testing. Allele origin: germline. Affected: yes.
Comment: In silico analysis supports that this missense variant has a deleterious effect on protein structure/function; Has not been previously published as pathogenic or benign to our knowledge

Labcorp Genetics (formerly Invitae), Labcorp
Classification: Uncertain significance for Desmin-related myofibrillar myopathy. Last evaluated: 2023-08-22. Review status: criteria provided, single submitter. Criteria: Invitae Variant Classification Sherloc (09022015). Collection method: clinical testing. Allele origin: germline.
Comment: Advanced modeling of protein sequence and biophysical properties (such as structural, functional, and spatial information, amino acid conservation, physicochemical variation, residue mobility, and thermodynamic stability) has been performed at Invitae for this missense variant, however the output from this modeling did not meet the statistical confidence thresholds required to predict the impact of this variant on DES protein function. ClinVar contains an entry for this variant (Variation ID: 949474). This variant has not been reported in the literature in individuals affected with DES-related conditions. The frequency data for this variant in the population databases is considered unreliable, as metrics indicate poor data quality at this position in the gnomAD database. This sequence change replaces glutamic acid, which is acidic and polar, with glycine, which is neutral and non-polar, at codon 124 of the DES protein (p.Glu124Gly). In summary, the available evidence is currently insufficient to determine the role of this variant in disease. Therefore, it has been classified as a Variant of Uncertain Significance.

NM_001927.4(DES):c.371A>G (p.Glu124Gly)

Gene: DES (desmin; plus strand). Cytogenetic location: 2q35.
Variant type: single nucleotide variant.
Coding change: c.371A>G on transcript NM_001927.4 (MANE Select); coding-DNA position 371, A replaced by G.
Protein change: p.Glu124Gly; replaces glutamic acid 124 with glycine.
Molecular consequence: missense variant.
Genome position (GRCh38, 1-based): chr2:219,418,833, A>G. VCF-style: chr2-219418833-A-G. GRCh37 (hg19) VCF-style: chr2-220283555-A-G.
Other names: c.371A>G, p.Glu124Gly (NM_001382708.1, NM_001382709.1, NM_001382710.1 and 3 more transcripts); short protein forms E124G.
Identifiers: ClinVar variation 949474 (VCV000949474.11), dbSNP rs564121737, ClinGen allele CA2125060.